The following is an entry in ClinVar:

ClinVar aggregate classification (germline): Uncertain significance (1 of 4 stars; one submission).

gnomAD v4.1: 10 of 1,614,110 alleles (0.00062%); highest among the groups gnomAD compares: African/African-American, 0.0013%; no homozygotes.

Submission:

Labcorp Genetics (formerly Invitae), Labcorp
Classification: Uncertain significance. Last evaluated: 2025-11-06. Review status: criteria provided, single submitter. Criteria: Invitae Variant Classification Sherloc (09022015). Collection method: clinical testing. Allele origin: germline.
Comment: This sequence change replaces arginine, which is basic and polar, with glutamine, which is neutral and polar, at codon 77 of the SPTBN2 protein (p.Arg77Gln). This variant is present in population databases (rs183081994, gnomAD 0.004%). This variant has not been reported in the literature in individuals affected with SPTBN2-related conditions. Invitae Evidence Modeling of protein sequence and biophysical properties (such as structural, functional, and spatial information, amino acid conservation, physicochemical variation, residue mobility, and thermodynamic stability) indicates that this missense variant is expected to disrupt SPTBN2 protein function with a positive predictive value of 80%. In summary, the available evidence is currently insufficient to determine the role of this variant in disease. Therefore, it has been classified as a Variant of Uncertain Significance.

NM_006946.4(SPTBN2):c.230G>A (p.Arg77Gln)

Gene: SPTBN2 (spectrin beta, non-erythrocytic 2; minus strand). Cytogenetic location: 11q13.2.
Variant type: single nucleotide variant.
Coding change: c.230G>A on transcript NM_006946.4 (MANE Select); coding-DNA position 230, G replaced by A.
Protein change: p.Arg77Gln; replaces arginine 77 with glutamine.
Molecular consequence: missense variant.
Genome position (GRCh38, 1-based): chr11:66,715,909, C>T on the plus strand (G>A on the coding strand, the complement: SPTBN2 is on the minus strand). VCF-style: chr11-66715909-C-T. GRCh37 (hg19) VCF-style: chr11-66483380-C-T.
Other names: c.251G>A, p.Arg84Gln (NM_001411025.1); c.230G>A, p.Arg77Gln (NM_001437541.1); short protein forms R77Q, R84Q.
Identifiers: ClinVar variation 4762300 (VCV004762300.1).
Genomic context (GRCh38, chr11:66,715,909, plus strand): 5'-ACCTCGAGGAGCCTCAGCAGGTTGCGTCCGTCCCGGAGGTCGCTGTACAGGTCCCCCACC[C>T]GGCACGTGACCCGGGCCAGGTGCGAGTTTACCCACTTGGTGAAGGTTTTCTTCTGCACAG-3'
Protein context (NP_008877.2, residues 67-87): VNSHLARVTC[Arg77Gln]VGDLYSDLRD